The following is an entry in ClinVar:

NM_173628.4(DNAH17):c.5932G>A (p.Glu1978Lys)

Genes: DNAH17 (dynein axonemal heavy chain 17; minus strand), DNAH17-AS1 (DNAH17 antisense RNA 1; plus strand). Cytogenetic location: 17q25.3.
Variant type: single nucleotide variant.
Coding change: c.5932G>A on transcript NM_173628.4 (MANE Select); coding-DNA position 5932, G replaced by A.
Protein change: p.Glu1978Lys; replaces glutamic acid 1978 with lysine.
Molecular consequence: missense variant.
Genome position (GRCh38, 1-based): chr17:78,495,069, C>T on the plus strand (G>A on the coding strand, the complement: DNAH17 is on the minus strand). VCF-style: chr17-78495069-C-T. GRCh37 (hg19) VCF-style: chr17-76491151-C-T.
Other names: short protein forms E1978K.
Identifiers: ClinVar variation 4813335 (VCV004813335.2).

ClinVar aggregate classification (germline): Uncertain significance (1 of 4 stars; one submission).

Conditions:
Male infertility. Identifiers: MedGen C0021364, MeSH D007248, MONDO:0005372, HP:0003251.

gnomAD v4.1: 38 of 1,610,170 alleles (0.0024%); highest among the groups gnomAD compares: East Asian, 0.04%; no homozygotes.

Submission:

Institute of Reproductive Genetics, University of Münster
Classification: Uncertain significance for Male infertility. Last evaluated: 2026-07-13. Review status: criteria provided, single submitter. Criteria: Uk Practice Guidelines For Variant Classification V4 01 2020. Collection method: clinical testing. Allele origin: germline. Inheritance: Autosomal recessive inheritance. Affected: yes.
Comment: PM2_supporting, (MAF GnomAD v4 <0.01), PM3_supporting (in trans with a pathogenic variant but a potential alternative genetic cause was identified in two affected individuals), PP3 (CADD >20)